The following is an entry in ClinVar:

ClinVar aggregate classification (germline): Uncertain significance (1 of 4 stars; one submission).

Conditions:
TTN-related disorder. Also called: TTN-related disorders; TTN-related condition; TTN-related disease.

gnomAD v4.1: 14 of 1,612,814 alleles (0.00087%); highest among the groups gnomAD compares: African/African-American, 0.017%; no homozygotes.

Submission:

PreventionGenetics, part of Exact Sciences
Classification: Uncertain significance for TTN-related condition. Last evaluated: 2026-05-13. Review status: criteria provided, single submitter. Criteria: ACMG Guidelines, 2015. Collection method: clinical testing. Allele origin: germline.
Comment: The TTN c.50961T>G variant is predicted to result in the amino acid substitution p.Ser16987Arg. To our knowledge, this variant has not been reported in the literature. This variant is reported in 0.013% of alleles in individuals of African descent in gnomAD. At this time, the clinical significance of this variant is uncertain due to the absence of conclusive functional and genetic evidence.

NM_001267550.2(TTN):c.50961T>G (p.Ser16987Arg)

Genes: TTN (titin; minus strand), TTN-AS1 (TTN antisense RNA 1; plus strand). Cytogenetic location: 2q31.2.
Variant type: single nucleotide variant.
Coding change: c.50961T>G on transcript NM_001267550.2 (MANE Select); coding-DNA position 50961, T replaced by G.
Protein change: p.Ser16987Arg; replaces serine 16987 with arginine.
Molecular consequence: missense variant.
Genome position (GRCh38, 1-based): chr2:178,611,168, A>C on the plus strand (T>G on the coding strand, the complement: TTN is on the minus strand). VCF-style: chr2-178611168-A-C. GRCh37 (hg19) VCF-style: chr2-179475895-A-C.
Other names: c.46038T>G, p.Ser15346Arg (NM_001256850.1); c.23766T>G, p.Ser7922Arg (NM_003319.4); c.43257T>G, p.Ser14419Arg (NM_133378.4); c.24141T>G, p.Ser8047Arg (NM_133432.3); c.24342T>G, p.Ser8114Arg (NM_133437.4); short protein forms S15346R, S8047R, S8114R, S16987R, S7922R, S14419R.
Identifiers: ClinVar variation 4991207 (VCV004991207.1).
Genomic context (GRCh38, chr2:178,611,168, plus strand): 5'-GTGATCATTCTTCATTGTTAATCTATCACTTGCTTTAACTTCTTTGCCATCTTTATGCCA[A>C]CTAACAGTTGGAACTGGGACAGCTCTGAAGGGAACAGGAATGCTTAACTTTTCACCTTCA-3'
Protein context (NP_001254479.2, residues 16977-16997): PFRAVPVPTV[Ser16987Arg]WHKDGKEVKA